The following is an entry in ClinVar:

ClinVar aggregate classification (germline): Pathogenic/Likely pathogenic. Review status: criteria provided, multiple submitters, no conflicts (2 of 4 stars). 9 submissions from 8 submitters: Pathogenic (6); Likely pathogenic (2). 1 of the submissions does not count toward it. Last evaluated 2026-02-01.

Conditions:
DYNC1H1-related disorder. Also called: DYNC1H1-related condition; DYNC1H1-related disorders. Identifiers: MedGen CN381529.
Inborn genetic diseases. Identifiers: MedGen C0950123, MeSH D030342.
Charcot-Marie-Tooth disease axonal type 2O. Also called: Charcot-Marie-Tooth Neuropathy Type 2O; CHARCOT-MARIE-TOOTH NEUROPATHY, AXONAL, TYPE 2O; CHARCOT-MARIE-TOOTH DISEASE, AXONAL, AUTOSOMAL DOMINANT, TYPE 2O; Charcot-Marie-Tooth disease, axonal, type 20. Identifiers: Orphanet 284232, MedGen C3280220, MONDO:0013644, OMIM 614228.
Cortical dysplasia, complex, with other brain malformations 13. Also called: Intellectual disability, autosomal dominant 13. Identifiers: MedGen C3281202, MONDO:0013805, OMIM 614563.
Delayed gross motor development. Identifiers: MedGen C1837658, HP:0002194.
Seizure. Also called: Seizures. Identifiers: MedGen C0036572, HP:0001250.
Microcephaly. Also called: Microcephaly (disease). Identifiers: MedGen C4551563, MONDO:0001149, HP:0000252.
Delayed speech and language development. Also called: Language delay. Identifiers: MedGen C0454644, HP:0000750.
Global developmental delay (DD). Also called: Cognitive delay. Identifiers: MedGen C0557874, HP:0001263. Disease mechanism: loss of function.

Submissions (9):

CeGaT Center for Human Genetics Tuebingen
Classification: Pathogenic. Last evaluated: 2026-02-01. Review status: criteria provided, single submitter. Criteria: CeGaT Center For Human Genetics Tuebingen Variant Classification Criteria Version 2. Collection method: clinical testing. Allele origin: germline. Affected: yes. Observed: 1 variant allele.
Comment: DYNC1H1: PS2, PM2, PS4:Moderate, PP2, PP3

Women's Health and Genetics/Laboratory Corporation of America, LabCorp
Classification: Pathogenic for Cortical dysplasia, complex, with other brain malformations 13. Last evaluated: 2024-12-12. Review status: criteria provided, single submitter. Criteria: LabCorp Variant Classification Summary - May 2015. Collection method: clinical testing. Allele origin: germline.
Comment: Variant summary: DYNC1H1 c.6994C>T (p.Arg2332Cys) results in a non-conservative amino acid change located in the P-loop containing nucleoside triphosphate hydrolases (IPR027417) of the encoded protein sequence. Five of five in-silico tools predict a damaging effect of the variant on protein function. This variant was absent in gnomAD V4. c.6994C>T has been reported in the literature as a de novo occurrence in multiple individuals affected with Intellectual disability, autosomal dominant 13 (examples: Zhu_2015, Liu_2022, Internal data). These data indicate that the variant is likely to be associated with disease. The following publications have been ascertained in the context of this evaluation (PMID: 36175372, 25590979). ClinVar contains an entry for this variant (Variation ID: 374190). Based on the evidence outlined above, the variant was classified as pathogenic.

Labcorp Genetics (formerly Invitae), Labcorp
Classification: Pathogenic for Charcot-Marie-Tooth disease axonal type 2O. Last evaluated: 2024-11-07. Review status: criteria provided, single submitter. Criteria: Invitae Variant Classification Sherloc (09022015). Collection method: clinical testing. Allele origin: germline.
Comment: This sequence change replaces arginine, which is basic and polar, with cysteine, which is neutral and slightly polar, at codon 2332 of the DYNC1H1 protein (p.Arg2332Cys). This variant is not present in population databases (gnomAD no frequency). This missense change has been observed in individual(s) with autosomal dominant intellectual disability (PMID: 25590979, 27754416, 29286531). In at least one individual the variant was observed to be de novo. ClinVar contains an entry for this variant (Variation ID: 374190). Invitae Evidence Modeling of protein sequence and biophysical properties (such as structural, functional, and spatial information, amino acid conservation, physicochemical variation, residue mobility, and thermodynamic stability) indicates that this missense variant is expected to disrupt DYNC1H1 protein function with a positive predictive value of 95%. For these reasons, this variant has been classified as Pathogenic.

Duke University Health System Sequencing Clinic, Duke University Health System
Classification: Pathogenic for Cortical dysplasia, complex, with other brain malformations 13. Last evaluated: 2023-04-20. Review status: criteria provided, single submitter. Criteria: ACMG Guidelines, 2015. Collection method: research. Allele origin: de novo. Affected: yes.

Blueprint Genetics
Classification: Pathogenic for DYNC1H1-related disorders. Last evaluated: 2022-12-16. Review status: criteria provided, single submitter. Criteria: ACMG Guidelines, 2015. Collection method: clinical testing. Allele origin: germline. Affected: yes. Observed: 1 variant allele.

Ambry Genetics
Classification: Pathogenic for Inborn genetic diseases. Last evaluated: 2019-08-19. Review status: criteria provided, single submitter. Criteria: Ambry exome assertion method (8-5-2015). Collection method: clinical testing. Allele origin: germline. Affected: yes. Observed: 1 variant allele.

Centre for Mendelian Genomics, University Medical Centre Ljubljana
Classification: Likely pathogenic for Charcot-Marie-Tooth disease axonal type 2O. Last evaluated: 2016-01-01. Review status: criteria provided, single submitter. Criteria: ACMG Guidelines, 2015. Collection method: clinical testing. Allele origin: unknown. Affected: yes.
Comment: This variant was classified as: Likely pathogenic.

Centre for Mendelian Genomics, University Medical Centre Ljubljana
Classification: Likely pathogenic for Delayed gross motor development; Delayed speech and language development; Global developmental delay; Microcephaly; Seizure. Last evaluated: 2014-06-06. Review status: criteria provided, single submitter. Criteria: ACMG Guidelines, 2015. Collection method: clinical testing. Allele origin: unknown. Affected: yes.

Inherited Neuropathy Consortium Ii, University Of Miami
Classification: Uncertain significance for Charcot-Marie-Tooth disease axonal type 2O. Last evaluated: 2016-01-06. Review status: no assertion criteria provided. Collection method: literature only. Allele origin: germline. Affected: yes. Not counted in ClinVar's aggregate classification.

Literature cited by the submitters: PubMed 25590979 (cited by 5 submitters); PubMed 36175372 (cited by Women's Health and Genetics/Laboratory Corporation of America, LabCorp); PubMed 27754416 (cited by Labcorp Genetics (formerly Invitae), Labcorp and Ambry Genetics); PubMed 29286531 (cited by Labcorp Genetics (formerly Invitae), Labcorp and Ambry Genetics).

NM_001376.5(DYNC1H1):c.6994C>T (p.Arg2332Cys)

Gene: DYNC1H1 (dynein cytoplasmic 1 heavy chain 1; plus strand). Cytogenetic location: 14q32.31.
Variant type: single nucleotide variant.
Coding change: c.6994C>T on transcript NM_001376.5 (MANE Select); coding-DNA position 6994, C replaced by T.
Protein change: p.Arg2332Cys; replaces arginine 2332 with cysteine.
Molecular consequence: missense variant.
Genome position (GRCh38, 1-based): chr14:102,012,450, C>T. VCF-style: chr14-102012450-C-T. GRCh37 (hg19) VCF-style: chr14-102478787-C-T.
Other names: short protein forms R2332C.
Identifiers: ClinVar variation 374190 (VCV000374190.20), dbSNP rs1057518961, ClinGen allele CA16043479.